The following is an entry in ClinVar:

NM_016529.6(ATP8A2):c.518del (p.Gly173fs)

Gene: ATP8A2 (ATPase phospholipid transporting 8A2). Cytogenetic location: 13q12.13.
Variant type: Deletion.
Coding change: c.518del on transcript NM_016529.6 (MANE Select); coding-DNA position 518, one base deleted.
Protein change: p.Gly173fs; shifts the reading frame from glycine 173.
Molecular consequence: frameshift variant.
Genome position: GRCh38 VCF-style: chr13-25537995-TG-T. GRCh37 (hg19) VCF-style: chr13-26112133-TG-T.
Other names: c.398del, p.Gly133fs (NM_001313741.1); short protein forms G133fs, G173fs.
Identifiers: ClinVar variation 1526205 (VCV001526205.1), dbSNP rs2038343394, ClinGen allele CA2079685442.

ClinVar aggregate classification (germline): Likely pathogenic (1 of 4 stars; one submission).

Conditions:
Cerebellar ataxia, impaired intellectual development, and dysequilibrium syndrome 4. Also called: Cerebellar ataxia, intellectual disability, and dysequilibrium syndrome 4; CEREBELLAR ATAXIA AND MENTAL RETARDATION WITH OR WITHOUT QUADRUPEDAL LOCOMOTION 4; Cerebellar ataxia, mental retardation, and dysequilibrium syndrome 4. Identifiers: Orphanet 1766, MedGen C3808977, MONDO:0014104, OMIM 615268.

Submission:

3billion
Classification: Likely pathogenic for Cerebellar ataxia, impaired intellectual development, and dysequilibrium syndrome 4. Last evaluated: 2022-03-22. Review status: criteria provided, single submitter. Criteria: ACMG Guidelines, 2015. Collection method: clinical testing. Allele origin: germline. Affected: yes. Observed: 1 heterozygote.
Comment: Frameshift: predicted to result in a loss or disruption of normal protein function through nonsense-mediated decay (NMD) or protein truncation. Multiple pathogenic variants are reported downstream of the variant.It is not observed in the gnomAD v2.1.1 dataset. Therefore, this variant is classified as likely pathogenic according to the recommendation of ACMG/AMP guideline.